The following is an entry in ClinVar:

ClinVar aggregate classification (germline): Likely pathogenic. Review status: criteria provided, single submitter (1 of 4 stars). 2 submissions from 2 submitters: Likely pathogenic (1). 1 of the submissions does not count toward it. Last evaluated 2026-08-06.

Conditions:
Coffin-Siris syndrome 1 (CSS1). Also called: Mental retardation, autosomal dominant 12; ARID1B-Related Coffin-Siris Syndrome. Identifiers: Orphanet 1465, MedGen C3281201, MONDO:0007617, OMIM 135900. Disease mechanism: gain of function.

Submissions (2):

OLLIN Analises Genomicas, OLLIN
Classification: Likely pathogenic for Coffin-Siris syndrome 1. Last evaluated: 2026-08-06. Review status: criteria provided, single submitter. Criteria: ACMG Guidelines 2015 PMID 25741868. Collection method: clinical testing. Allele origin: germline. Inheritance: Autosomal dominant inheritance.
Comment: This frameshift variant, located in exon 1 (of 20), is absent from gnomAD and has not been identified in the literature. However, it has been reported in ClinVar (accession VCV001275757.1). This variant causes a frameshift and introduces a premature stop codon, which is predicted to result in either a truncated protein or degradation of the mRNA via nonsense-mediated decay (NMD). According to the currently available evidence, this variant has been classified as likely pathogenic (PVS1, PM2_P).

Institute of Human Genetics, Cologne University
Classification: Pathogenic for Coffin-Siris syndrome 1. Review status: no assertion criteria provided. Collection method: clinical testing. Allele origin: de novo. Inheritance: Autosomal dominant inheritance. Affected: yes. Observed: 1 heterozygote. Not counted in ClinVar's aggregate classification.

NM_001374828.1(ARID1B):c.1574del (p.Ser525fs)

Gene: ARID1B (AT-rich interaction domain 1B; plus strand). Cytogenetic location: 6q25.3.
Variant type: Deletion.
Coding change: c.1574del on transcript NM_001374828.1 (MANE Select); coding-DNA position 1574, one base deleted (G; older notation c.1574delG).
Protein change: p.Ser525fs; shifts the reading frame from serine 525.
Molecular consequence: frameshift variant.
Genome position (GRCh38, 1-based): chr6:156,779,254, G deleted. VCF-style (leftmost placement, unchanged base first): chr6-156779253-AG-A. GRCh37 (hg19) VCF-style: chr6-157100387-AG-A.
Other names: c.1574del, p.Ser525fs (NM_001371656.1, NM_001374820.1, NM_017519.3); short protein forms S525fs.
Identifiers: ClinVar variation 1275757 (VCV001275757.2), dbSNP rs2115000174, ClinGen allele CA2499218154.